The following is an entry in ClinVar:

NM_025132.4(WDR19):c.1039C>T (p.Leu347=)

Gene: WDR19 (WD repeat domain 19; plus strand). Cytogenetic location: 4p14.
Variant type: single nucleotide variant.
Coding change: c.1039C>T on transcript NM_025132.4 (MANE Select); coding-DNA position 1039, C replaced by T.
Protein change: p.Leu347=; no amino-acid change (leucine 347 retained).
Molecular consequence: synonymous variant.
Genome position (GRCh38, 1-based): chr4:39,215,918, C>T. VCF-style: chr4-39215918-C-T. GRCh37 (hg19) VCF-style: chr4-39217538-C-T.
Other names: c.1039C>T (NM_025132.3); c.559C>T, p.Leu187= (NM_001317924.2).
Identifiers: ClinVar variation 1165987 (VCV001165987.14), dbSNP rs201958863, ClinGen allele CA2891766.

ClinVar aggregate classification (germline): Benign/Likely benign. Review status: criteria provided, multiple submitters, no conflicts (2 of 4 stars). 5 submissions from 5 submitters: Benign (2); Likely benign (2). 1 of the submissions does not count toward it. Last evaluated 2026-01-27.

Conditions:
WDR19-related disorder. Also called: WDR19-related disorders; WDR19-related condition. Identifiers: MedGen CN380161.
Cranioectodermal dysplasia 4 (CED4). Identifiers: Orphanet 1515, MedGen C3280616, MONDO:0013719, OMIM 614378.
Senior-Loken syndrome 8 (SLSN8). Identifiers: Orphanet 3156, MedGen C4225376, MONDO:0014579, OMIM 616307.
Spermatogenic failure 72 (SPGF72). Identifiers: MedGen C5676980, MONDO:0030809, OMIM 619867.
Asphyxiating thoracic dystrophy 5 (SRTD5). Also called: SHORT-RIB THORACIC DYSPLASIA 5 WITH OR WITHOUT POLYDACTYLY; SHORT-RIB THORACIC DYSPLASIA 5 WITHOUT POLYDACTYLY. Identifiers: Orphanet 474, MedGen C3280598, MONDO:0013717, OMIM 614376.
Nephronophthisis 13 (NPHP13). Identifiers: Orphanet 655, MedGen C3280612, MONDO:0013718, OMIM 614377.

Allele frequency attached by ClinVar (database versions not stated): ExAC 0.00025; TOPMed 0.00026; gnomAD exomes 0.00027; ESP Exome Variant Server 0.00033.
gnomAD v4.1: 243 of 1,613,660 alleles (0.015%); highest among the groups gnomAD compares: Middle Eastern, 0.28%; no homozygotes.

Submissions (5):

Labcorp Genetics (formerly Invitae), Labcorp
Classification: Benign for Senior-Loken syndrome 8; Asphyxiating thoracic dystrophy 5. Last evaluated: 2026-01-27. Review status: criteria provided, single submitter. Criteria: Invitae Variant Classification Sherloc (09022015). Collection method: clinical testing. Allele origin: germline.

Blueprint Genetics
Classification: Likely benign. Last evaluated: 2024-11-01. Review status: criteria provided, single submitter. Criteria: ACMG Guidelines, 2015. Collection method: clinical testing. Allele origin: germline.

Fulgent Genetics
Classification: Likely benign for Asphyxiating thoracic dystrophy 5; Nephronophthisis 13; Cranioectodermal dysplasia 4; Senior-Loken syndrome 8; Spermatogenic failure 72. Last evaluated: 2021-09-16. Review status: criteria provided, single submitter. Criteria: ACMG Guidelines, 2015. Collection method: clinical testing. Allele origin: unknown.

Breakthrough Genomics
Classification: Benign. Review status: criteria provided, single submitter. Criteria: ACMG Guidelines, 2015. Collection method: not provided. Allele origin: germline. Inheritance: Autosomal recessive inheritance. Affected: yes.

PreventionGenetics, part of Exact Sciences
Classification: Likely benign for WDR19-related condition. Last evaluated: 2019-06-12. Review status: no assertion criteria provided. Collection method: clinical testing. Allele origin: germline. Not counted in ClinVar's aggregate classification.
Comment: This variant is classified as likely benign based on ACMG/AMP sequence variant interpretation guidelines (Richards et al. 2015 PMID: 25741868, with internal and published modifications).